The following is an entry in ClinVar:

ClinVar aggregate classification (germline): Uncertain significance. Review status: criteria provided, multiple submitters, no conflicts (2 of 4 stars). 2 submissions from 2 submitters: Uncertain significance (2). Last evaluated 2022-09-22.

Submissions (2):

Labcorp Genetics (formerly Invitae), Labcorp
Classification: Uncertain significance. Last evaluated: 2022-09-22. Review status: criteria provided, single submitter. Criteria: Invitae Variant Classification Sherloc (09022015). Collection method: clinical testing. Allele origin: germline.
Comment: This variant, c.1516_1518del, results in the deletion of 1 amino acid(s) of the BRD4 protein (p.Glu506del), but otherwise preserves the integrity of the reading frame. This variant is not present in population databases (gnomAD no frequency). This variant has not been reported in the literature in individuals affected with BRD4-related conditions. Experimental studies and prediction algorithms are not available or were not evaluated, and the functional significance of this variant is currently unknown. In summary, the available evidence is currently insufficient to determine the role of this variant in disease. Therefore, it has been classified as a Variant of Uncertain Significance.

GeneDx
Classification: Uncertain significance. Last evaluated: 2022-07-29. Review status: criteria provided, single submitter. Criteria: GeneDx Variant Classification Process June 2021. Collection method: clinical testing. Allele origin: germline. Affected: yes.
Comment: Not observed at significant frequency in large population cohorts (gnomAD); In-frame deletion of 1 amino acid in a non-repeat region; Has not been previously published as pathogenic or benign to our knowledge

NM_001379291.1(BRD4):c.1510GAG[2] (p.Glu506del)

Gene: BRD4 (bromodomain containing 4; minus strand). Cytogenetic location: 19p13.12.
Variant type: Microsatellite.
Coding change: c.1510GAG[2] on transcript NM_001379291.1 (MANE Select); two copies in a row of the 3-base unit GAG starting at c.1510; the reference has three copies in a row; one copy, 3 bases deleted.
Protein change: p.Glu506del; deletes glutamic acid 506.
Molecular consequence: inframe deletion.
Genome position (GRCh38, 1-based): chr19:15,256,997-15,256,999, CTC deleted on the plus strand (GAG on the coding strand, the reverse complement: BRD4 is on the minus strand); deleting any 3 consecutive bases within chr19:15,256,997-15,257,005 gives the same sequence; the position shown is the placement nearest the transcript's 3' end. VCF-style (leftmost placement, unchanged base first): chr19-15256996-GCTC-G. GRCh37 (hg19) VCF-style: chr19-15367807-GCTC-G.
Other names: c.1516_1518del (NM_058243.2); c.1510GAG[2], p.Glu506del (NM_001330384.2, NM_001379292.1, NM_014299.3 and 1 more transcripts); short protein forms E506del.
Identifiers: ClinVar variation 2031896 (VCV002031896.6), dbSNP rs2512562053, ClinGen allele CA2580613080.